The following is an entry in ClinVar:

ClinVar aggregate classification (germline): Uncertain significance (1 of 4 stars; one submission).

Allele frequency attached by ClinVar (database versions not stated): gnomAD exomes below 0.00001; TOPMed below 0.00001.
gnomAD v4.1: 5 of 1,612,842 alleles (0.00031%); highest among the groups gnomAD compares: Non-Finnish European, 0.00042%; no homozygotes.

Submission:

Labcorp Genetics (formerly Invitae), Labcorp
Classification: Uncertain significance. Last evaluated: 2024-11-19. Review status: criteria provided, single submitter. Criteria: Invitae Variant Classification Sherloc (09022015). Collection method: clinical testing. Allele origin: germline.
Comment: This sequence change replaces serine, which is neutral and polar, with tyrosine, which is neutral and polar, at codon 1328 of the COL11A2 protein (p.Ser1328Tyr). This variant is not present in population databases (gnomAD no frequency). This variant has not been reported in the literature in individuals affected with COL11A2-related conditions. ClinVar contains an entry for this variant (Variation ID: 3015270). Invitae Evidence Modeling of protein sequence and biophysical properties (such as structural, functional, and spatial information, amino acid conservation, physicochemical variation, residue mobility, and thermodynamic stability) indicates that this missense variant is not expected to disrupt COL11A2 protein function with a negative predictive value of 95%. In summary, the available evidence is currently insufficient to determine the role of this variant in disease. Therefore, it has been classified as a Variant of Uncertain Significance.

NM_080680.3(COL11A2):c.3983C>A (p.Ser1328Tyr)

Gene: COL11A2 (collagen type XI alpha 2 chain; minus strand). Cytogenetic location: 6p21.32.
Variant type: single nucleotide variant.
Coding change: c.3983C>A on transcript NM_080680.3 (MANE Select); coding-DNA position 3983, C replaced by A.
Protein change: p.Ser1328Tyr; replaces serine 1328 with tyrosine.
Molecular consequence: missense variant.
Genome position (GRCh38, 1-based): chr6:33,167,830, G>T on the plus strand (C>A on the coding strand, the complement: COL11A2 is on the minus strand). VCF-style: chr6-33167830-G-T. GRCh37 (hg19) VCF-style: chr6-33135607-G-T.
Other names: c.3803C>A, p.Ser1268Tyr (NM_001424108.1); c.3137C>A, p.Ser1046Tyr (NM_001424109.1); c.2957C>A, p.Ser986Tyr (NM_001424110.1, NM_001424111.1); c.1937C>A, p.Ser646Tyr (NM_001424112.1); c.3662C>A, p.Ser1221Tyr (NM_080679.3); c.3725C>A, p.Ser1242Tyr (NM_080681.3); short protein forms S1328Y, S646Y, S1221Y, S1242Y, S1268Y, S1046Y, S986Y.
Identifiers: ClinVar variation 3015270 (VCV003015270.3), dbSNP rs767468665, ClinGen allele CA363624231.
Genomic context (GRCh38, chr6:33,167,830, plus strand): 5'-CTCCAGCACTAGGGCAGCCTGTCCCTCACCTTGGCTCCCTTCCCTCCTTGTCGCCCCTCG[G>T]AACCAGGCGAGCCAGCAGGACCCTGCAGGTGGAGTGGGAAGGAAGAGCACATGAGGCCGT-3'
Protein context (NP_542411.2, residues 1318-1338): GKRGPAGSPG[Ser1328Tyr]EGRQGGKGAK